The following is an entry in ClinVar:

ClinVar aggregate classification (germline): Uncertain significance (1 of 4 stars; one submission).

Conditions:
Progressive familial heart block type IB (PFHB1B). Identifiers: Orphanet 871, MedGen C1970298, MONDO:0011474, OMIM 604559.

Allele frequency attached by ClinVar (database versions not stated): gnomAD exomes below 0.00001.
gnomAD v4.1: 1 of 1,578,326 alleles (0.000063%); highest among the groups gnomAD compares: Non-Finnish European, 0.000085%; no homozygotes.

Submission:

Labcorp Genetics (formerly Invitae), Labcorp
Classification: Uncertain significance for Progressive familial heart block type IB. Last evaluated: 2023-08-25. Review status: criteria provided, single submitter. Criteria: Invitae Variant Classification Sherloc (09022015). Collection method: clinical testing. Allele origin: germline.
Comment: In summary, the available evidence is currently insufficient to determine the role of this variant in disease. Therefore, it has been classified as a Variant of Uncertain Significance. This sequence change replaces arginine, which is basic and polar, with tryptophan, which is neutral and slightly polar, at codon 882 of the TRPM4 protein (p.Arg882Trp). This variant is not present in population databases (gnomAD no frequency). This variant has not been reported in the literature in individuals affected with TRPM4-related conditions. An algorithm developed to predict the effect of missense changes on protein structure and function (PolyPhen-2) suggests that this variant is likely to be disruptive.

NM_017636.4(TRPM4):c.2644C>T (p.Arg882Trp)

Gene: TRPM4 (transient receptor potential cation channel subfamily M member 4; plus strand). Cytogenetic location: 19q13.33.
Variant type: single nucleotide variant.
Coding change: c.2644C>T on transcript NM_017636.4 (MANE Select); coding-DNA position 2644, C replaced by T.
Protein change: p.Arg882Trp; replaces arginine 882 with tryptophan.
Molecular consequence: missense variant. On other transcripts: intron variant (1).
Genome position (GRCh38, 1-based): chr19:49,196,873, C>T. VCF-style: chr19-49196873-C-T. GRCh37 (hg19) VCF-style: chr19-49700130-C-T.
Other names: c.2299C>T, p.Arg767Trp (NM_001321281.2); c.1036C>T, p.Arg346Trp (NM_001321282.2); c.2122C>T, p.Arg708Trp (NM_001321283.2); c.1582C>T, p.Arg528Trp (NM_001321285.2); c.2211-3427C>T (NM_001195227.2); short protein forms R346W, R708W, R767W, R882W, R528W.
Identifiers: ClinVar variation 2711979 (VCV002711979.3), dbSNP rs1441850732, ClinGen allele CA406809639.